The following is an entry in ClinVar:

ClinVar aggregate classification (germline): Uncertain significance. Review status: criteria provided, multiple submitters, no conflicts (2 of 4 stars). 2 submissions from 2 submitters: Uncertain significance (2). Last evaluated 2025-08-31.

Conditions:
Hereditary cancer-predisposing syndrome. Also called: Tumor predisposition; Neoplastic Syndromes, Hereditary; Hereditary Cancer Syndrome; Hereditary neoplastic syndrome. Identifiers: Orphanet 140162, MedGen C0027672, MeSH D009386, MONDO:0015356.
Hereditary breast ovarian cancer syndrome. Also called: Hereditary breast and ovarian cancer syndrome (HBOC); Breast and ovarian cancer; BRCA1- and BRCA2-Associated Hereditary Breast and Ovarian Cancer; Hereditary breast and ovarian cancer syndrome; Hereditary breast and ovarian cancer; Hereditary breast and/or ovarian cancer syndrome. Identifiers: Orphanet 145, MedGen C0677776, MeSH D061325, MONDO:0003582. Disease mechanism: loss of function.

Submissions (2):

Ambry Genetics
Classification: Uncertain significance for Hereditary cancer-predisposing syndrome. Last evaluated: 2025-08-31. Review status: criteria provided, single submitter. Criteria: Ambry Variant Classification Scheme 2023. Collection method: clinical testing. Allele origin: germline.
Comment: The p.S1907P variant (also known as c.5719T>C), located in coding exon 10 of the BRCA2 gene, results from a T to C substitution at nucleotide position 5719. The serine at codon 1907 is replaced by proline, an amino acid with similar properties. This amino acid position is conserved. In addition, the in silico prediction for this alteration is inconclusive. Based on the available evidence, the clinical significance of this variant remains unclear.

Labcorp Genetics (formerly Invitae), Labcorp
Classification: Uncertain significance for Hereditary breast ovarian cancer syndrome. Last evaluated: 2023-02-08. Review status: criteria provided, single submitter. Criteria: Invitae Variant Classification Sherloc (09022015). Collection method: clinical testing. Allele origin: germline.
Comment: This variant is not present in population databases (gnomAD no frequency). This sequence change replaces serine, which is neutral and polar, with proline, which is neutral and non-polar, at codon 1907 of the BRCA2 protein (p.Ser1907Pro). In summary, the available evidence is currently insufficient to determine the role of this variant in disease. Therefore, it has been classified as a Variant of Uncertain Significance. Advanced modeling of protein sequence and biophysical properties (such as structural, functional, and spatial information, amino acid conservation, physicochemical variation, residue mobility, and thermodynamic stability) performed at Invitae indicates that this missense variant is not expected to disrupt BRCA2 protein function. This variant has not been reported in the literature in individuals affected with BRCA2-related conditions.

NM_000059.4(BRCA2):c.5719T>C (p.Ser1907Pro)

Gene: BRCA2 (BRCA2 DNA repair associated; plus strand). Cytogenetic location: 13q13.1.
Variant type: single nucleotide variant.
Coding change: c.5719T>C on transcript NM_000059.4 (MANE Select); coding-DNA position 5719, T replaced by C.
Protein change: p.Ser1907Pro; replaces serine 1907 with proline.
Molecular consequence: missense variant. On other transcripts: non-coding transcript variant (1), intron variant (2).
Genome position (GRCh38, 1-based): chr13:32,340,074, T>C. VCF-style: chr13-32340074-T-C. GRCh37 (hg19) VCF-style: chr13-32914211-T-C.
Other names: c.5719T>C, p.Ser1907Pro (NM_001406719.1, NM_001406720.1); c.1910-4484T>C (NM_001406721.1); c.425-4484T>C (NM_001406722.1); short protein forms S1907P.
Identifiers: ClinVar variation 2835503 (VCV002835503.4), dbSNP rs753445027, ClinGen allele CA387786841.